The following is an entry in ClinVar:

ClinVar aggregate classification (germline): Likely benign. Review status: criteria provided, multiple submitters, no conflicts (2 of 4 stars). 3 submissions from 3 submitters: Likely benign (2). 1 of the submissions does not count toward it. Last evaluated 2025-05-15.

Conditions:
MYPN-related disorder. Also called: MYPN-related condition.
Dilated cardiomyopathy 1KK (CMD1KK). Identifiers: Orphanet 154, Orphanet 75249, MedGen C3714995, MONDO:0014100, OMIM 615248.

Allele frequency attached by ClinVar (database versions not stated): gnomAD 0.00002; gnomAD exomes 0.00002 and 0.00005; ExAC 0.00003; TOPMed 0.00004.
gnomAD v4.1: 14 of 1,604,928 alleles (0.00087%); highest among the groups gnomAD compares: Admixed American, 0.023%; no homozygotes.

Submissions (3):

Labcorp Genetics (formerly Invitae), Labcorp
Classification: Likely benign for Dilated cardiomyopathy 1KK. Last evaluated: 2025-05-15. Review status: criteria provided, single submitter. Criteria: Invitae Variant Classification Sherloc (09022015). Collection method: clinical testing. Allele origin: germline.

GeneDx
Classification: Likely benign. Last evaluated: 2016-10-31. Review status: criteria provided, single submitter. Criteria: GeneDx Variant Classification (06012015). Collection method: clinical testing. Allele origin: germline. Affected: yes.
Comment: This variant is considered likely benign or benign based on one or more of the following criteria: it is a conservative change, it occurs at a poorly conserved position in the protein, it is predicted to be benign by multiple in silico algorithms, and/or has population frequency not consistent with disease.

PreventionGenetics, part of Exact Sciences
Classification: Likely benign for MYPN-related condition. Last evaluated: 2019-12-20. Review status: no assertion criteria provided. Collection method: clinical testing. Allele origin: germline. Not counted in ClinVar's aggregate classification.
Comment: This variant is classified as likely benign based on ACMG/AMP sequence variant interpretation guidelines (Richards et al. 2015 PMID: 25741868, with internal and published modifications).

NM_032578.4(MYPN):c.1317+7A>C

Gene: MYPN (myopalladin; plus strand). Cytogenetic location: 10q21.3.
Variant type: single nucleotide variant.
Coding change: c.1317+7A>C on transcript NM_032578.4 (MANE Select); 7 bases into the intron after coding-DNA position 1317, A replaced by C.
Molecular consequence: intron variant.
Genome position (GRCh38, 1-based): chr10:68,150,118, A>C. VCF-style: chr10-68150118-A-C. GRCh37 (hg19) VCF-style: chr10-69909875-A-C.
Other names: c.1317+7A>C (NM_001256267.2); c.435+7A>C (NM_001256268.2).
Identifiers: ClinVar variation 390028 (VCV000390028.11), dbSNP rs751723015, ClinGen allele CA5522510.